The following is an entry in ClinVar:

ClinVar aggregate classification (germline): Uncertain significance (1 of 4 stars; one submission).

Conditions:
Hereditary pancreatitis (PCTT). Also called: Hereditary chronic pancreatitis; PRSS1-Related Hereditary Pancreatitis. Identifiers: Orphanet 676, MedGen C0238339, MONDO:0008185, OMIM 167800.

Submission:

Ambry Genetics
Classification: Uncertain significance for Hereditary pancreatitis. Last evaluated: 2025-08-14. Review status: criteria provided, single submitter. Criteria: Ambry Variant Classification Scheme 2023. Collection method: clinical testing. Allele origin: germline.
Comment: The p.S394P variant (also known as c.1180T>C), located in coding exon 10 of the CPA1 gene, results from a T to C substitution at nucleotide position 1180. The serine at codon 394 is replaced by proline, an amino acid with similar properties. This amino acid position is conserved. In addition, this alteration is predicted to be tolerated by in silico analysis. Since supporting evidence is limited at this time, the clinical significance of this alteration remains unclear.

NM_001868.4(CPA1):c.1180T>C (p.Ser394Pro)

Gene: CPA1 (carboxypeptidase A1; plus strand). Cytogenetic location: 7q32.2.
Variant type: single nucleotide variant.
Coding change: c.1180T>C on transcript NM_001868.4 (MANE Select); coding-DNA position 1180, T replaced by C.
Protein change: p.Ser394Pro; replaces serine 394 with proline.
Molecular consequence: missense variant.
Genome position (GRCh38, 1-based): chr7:130,387,931, T>C. VCF-style: chr7-130387931-T-C. GRCh37 (hg19) VCF-style: chr7-130027772-T-C.
Other names: short protein forms S394P.
Identifiers: ClinVar variation 2496916 (VCV002496916.3), dbSNP rs1796501413, ClinGen allele CA369284426.